The following is an entry in ClinVar:

NM_001364905.1(LRBA):c.8307T>A (p.Asp2769Glu)

Gene: LRBA (LPS responsive beige-like anchor protein; minus strand). Cytogenetic location: 4q31.3.
Variant type: single nucleotide variant.
Coding change: c.8307T>A on transcript NM_001364905.1 (MANE Select); coding-DNA position 8307, T replaced by A.
Protein change: p.Asp2769Glu; replaces aspartic acid 2769 with glutamic acid.
Molecular consequence: missense variant.
Genome position (GRCh38, 1-based): chr4:150,282,459, A>T on the plus strand (T>A on the coding strand, the complement: LRBA is on the minus strand). VCF-style: chr4-150282459-A-T. GRCh37 (hg19) VCF-style: chr4-151203611-A-T.
Other names: c.8304T>A, p.Asp2768Glu (NM_001199282.3); c.8322T>A, p.Asp2774Glu (NM_001367550.1); c.8340T>A, p.Asp2780Glu (NM_006726.5); short protein forms D2769E, D2774E, D2768E, D2780E.
Identifiers: ClinVar variation 2096010 (VCV002096010.5), dbSNP rs767077628, ClinGen allele CA107810426.

ClinVar aggregate classification (germline): Uncertain significance. Review status: criteria provided, multiple submitters, no conflicts (2 of 4 stars). 2 submissions from 2 submitters: Uncertain significance (2). Last evaluated 2023-07-05.

Conditions:
Combined immunodeficiency due to LRBA deficiency. Also called: Common variable immunodeficiency 8, with autoimmunity. Identifiers: Orphanet 445018, MedGen C3553512, MONDO:0013863, OMIM 614700.

Submissions (2):

Blueprint Genetics
Classification: Uncertain significance. Last evaluated: 2023-07-05. Review status: criteria provided, single submitter. Criteria: ACMG Guidelines, 2015. Collection method: clinical testing. Allele origin: germline.

Labcorp Genetics (formerly Invitae), Labcorp
Classification: Uncertain significance for Combined immunodeficiency due to LRBA deficiency. Last evaluated: 2022-06-03. Review status: criteria provided, single submitter. Criteria: Invitae Variant Classification Sherloc (09022015). Collection method: clinical testing. Allele origin: germline.
Comment: In summary, the available evidence is currently insufficient to determine the role of this variant in disease. Therefore, it has been classified as a Variant of Uncertain Significance. Algorithms developed to predict the effect of missense changes on protein structure and function are either unavailable or do not agree on the potential impact of this missense change (SIFT: "Tolerated"; PolyPhen-2: "Probably Damaging"; Align-GVGD: "Class C0"). This variant has not been reported in the literature in individuals affected with LRBA-related conditions. This variant is not present in population databases (gnomAD no frequency). This sequence change replaces aspartic acid, which is acidic and polar, with glutamic acid, which is acidic and polar, at codon 2780 of the LRBA protein (p.Asp2780Glu).